The following is an entry in ClinVar:

NM_000384.3(APOB):c.2386G>C (p.Gly796Arg)

Gene: APOB (apolipoprotein B; minus strand). Cytogenetic location: 2p24.1.
Variant type: single nucleotide variant.
Coding change: c.2386G>C on transcript NM_000384.3 (MANE Select); coding-DNA position 2386, G replaced by C.
Protein change: p.Gly796Arg; replaces glycine 796 with arginine.
Molecular consequence: missense variant.
Genome position (GRCh38, 1-based): chr2:21,024,983, C>G on the plus strand (G>C on the coding strand, the complement: APOB is on the minus strand). VCF-style: chr2-21024983-C-G. GRCh37 (hg19) VCF-style: chr2-21247855-C-G.
Other names: short protein forms G796R.
Identifiers: ClinVar variation 581967 (VCV000581967.11), dbSNP rs888109982, ClinGen allele CA43521430.

ClinVar aggregate classification (germline): Uncertain significance (1 of 4 stars; one submission).

Conditions:
Hypercholesterolemia, autosomal dominant, type B (FHCL2). Also called: Hyperlipoproteinemia Type IIb; Familial Hypercholesterolemia Type B; APOLIPOPROTEIN B-100, FAMILIAL DEFECTIVE; APOLIPOPROTEIN B-100, FAMILIAL LIGAND-DEFECTIVE; Familial hypercholesterolemia 2; APOB-Related Familial Hypercholesterolemia, Autosomal Dominant. Identifiers: MedGen C1704417, MONDO:0007751, OMIM 144010.
Familial hypobetalipoproteinemia 1. Also called: Hypobetalipoproteinemia, normotriglyceridemic; Acanthocytosis with hypobetalipoproteinemia; APOB-Related Familial Hypobetalipoproteinemia. Identifiers: MedGen C4551990, MONDO:0014252, OMIM 615558.

Allele frequency attached by ClinVar (database versions not stated): TOPMed 0.00001.
gnomAD v4.1: 3 of 1,614,174 alleles (0.00019%); highest among the groups gnomAD compares: Non-Finnish European, 0.00025%; no homozygotes.

Submission:

Labcorp Genetics (formerly Invitae), Labcorp
Classification: Uncertain significance for Familial hypobetalipoproteinemia 1; Hypercholesterolemia, autosomal dominant, type B. Last evaluated: 2023-07-07. Review status: criteria provided, single submitter. Criteria: Invitae Variant Classification Sherloc (09022015). Collection method: clinical testing. Allele origin: germline.
Comment: Advanced modeling of protein sequence and biophysical properties (such as structural, functional, and spatial information, amino acid conservation, physicochemical variation, residue mobility, and thermodynamic stability) performed at Invitae indicates that this missense variant is not expected to disrupt APOB protein function. In summary, the available evidence is currently insufficient to determine the role of this variant in disease. Therefore, it has been classified as a Variant of Uncertain Significance. This sequence change replaces glycine, which is neutral and non-polar, with arginine, which is basic and polar, at codon 796 of the APOB protein (p.Gly796Arg). This variant is not present in population databases (gnomAD no frequency). This variant has not been reported in the literature in individuals affected with APOB-related conditions. ClinVar contains an entry for this variant (Variation ID: 581967).